The following is an entry in ClinVar:

ClinVar aggregate classification (germline): Uncertain significance (1 of 4 stars; one submission).

Submission:

Labcorp Genetics (formerly Invitae), Labcorp
Classification: Uncertain significance. Last evaluated: 2022-05-31. Review status: criteria provided, single submitter. Criteria: Invitae Variant Classification Sherloc (09022015). Collection method: clinical testing. Allele origin: germline.
Comment: This sequence change replaces threonine, which is neutral and polar, with isoleucine, which is neutral and non-polar, at codon 93 of the PFN1 protein (p.Thr93Ile). This variant is present in population databases (no rsID available, gnomAD 0.004%). This variant has not been reported in the literature in individuals affected with PFN1-related conditions. Algorithms developed to predict the effect of missense changes on protein structure and function (SIFT, PolyPhen-2, Align-GVGD) all suggest that this variant is likely to be tolerated. In summary, the available evidence is currently insufficient to determine the role of this variant in disease. Therefore, it has been classified as a Variant of Uncertain Significance.

NM_005022.4(PFN1):c.278C>T (p.Thr93Ile)

Gene: PFN1 (profilin 1; minus strand). Cytogenetic location: 17p13.2.
Variant type: single nucleotide variant.
Coding change: c.278C>T on transcript NM_005022.4 (MANE Select); coding-DNA position 278, C replaced by T.
Protein change: p.Thr93Ile; replaces threonine 93 with isoleucine.
Molecular consequence: missense variant.
Genome position (GRCh38, 1-based): chr17:4,946,675, G>A on the plus strand (C>T on the coding strand, the complement: PFN1 is on the minus strand). VCF-style: chr17-4946675-G-A. GRCh37 (hg19) VCF-style: chr17-4849970-G-A.
Other names: c.278C>T, p.Thr93Ile (NM_001375991.1); short protein forms T93I.
Identifiers: ClinVar variation 2001342 (VCV002001342.4), dbSNP rs1206385364, ClinGen allele CA397271889.